The following is an entry in ClinVar:

ClinVar aggregate classification (germline): Benign/Likely benign. Review status: criteria provided, multiple submitters, no conflicts (2 of 4 stars). 7 submissions from 7 submitters: Benign (3); Likely benign (3). 1 of the submissions does not count toward it. Last evaluated 2026-02-01.

Conditions:
HMCN1-related disorder. Also called: HMCN1-related condition.
Age related macular degeneration 1 (ARMD1). Also called: MACULOPATHY, AGE-RELATED, 1. Identifiers: MedGen C1864205, MONDO:0011285, OMIM 603075.

Allele frequency attached by ClinVar (database versions not stated): 1000 Genomes Project 30x 0.00094; 1000 Genomes Project 0.00120; TOPMed 0.00221; ESP Exome Variant Server 0.00246; gnomAD exomes 0.00246 and 0.00337; gnomAD 0.00249 and 0.00253; ExAC 0.00273.
gnomAD v4.1: 5,202 of 1,612,862 alleles (0.32%); highest among the groups gnomAD compares: Non-Finnish European, 0.41%; 16 homozygotes.

Submissions (7):

Labcorp Genetics (formerly Invitae), Labcorp
Classification: Benign. Last evaluated: 2026-02-01. Review status: criteria provided, single submitter. Criteria: Invitae Variant Classification Sherloc (09022015). Collection method: clinical testing. Allele origin: germline.

Blueprint Genetics
Classification: Likely benign. Last evaluated: 2024-11-25. Review status: criteria provided, single submitter. Criteria: ACMG Guidelines, 2015. Collection method: clinical testing. Allele origin: germline.

CeGaT Center for Human Genetics Tuebingen
Classification: Benign. Last evaluated: 2024-03-01. Review status: criteria provided, single submitter. Criteria: CeGaT Center For Human Genetics Tuebingen Variant Classification Criteria Version 2. Collection method: clinical testing. Allele origin: germline. Affected: yes. Observed: 2 variant alleles.
Comment: HMCN1: BP4, BS1, BS2

Genome-Nilou Lab
Classification: Benign for Age related macular degeneration 1. Last evaluated: 2023-04-11. Review status: criteria provided, single submitter. Criteria: ACMG Guidelines, 2015. Collection method: clinical testing. Allele origin: germline. Affected: no.

Illumina Laboratory Services, Illumina
Classification: Likely benign for Age related macular degeneration 1. Last evaluated: 2018-01-13. Review status: criteria provided, single submitter. Criteria: ICSL Variant Classification Criteria 13 December 2019. Collection method: clinical testing. Allele origin: germline.
Comment: This variant was observed in the ICSL laboratory as part of a predisposition screen in an ostensibly healthy population. It had not been previously curated by ICSL or reported in the Human Gene Mutation Database (HGMD: prior to June 1st, 2018), and was therefore a candidate for classification through an automated scoring system. Utilizing variant allele frequency, disease prevalence and penetrance estimates, and inheritance mode, an automated score was calculated to assess if this variant is too frequent to cause the disease. Based on the score and internal cut-off values, a variant classified as likely benign is not then subjected to further curation. The score for this variant resulted in a classification of likely benign for this disease.

Breakthrough Genomics
Classification: Likely benign. Review status: criteria provided, single submitter. Criteria: ACMG Guidelines, 2015. Collection method: not provided. Allele origin: germline. Inheritance: Autosomal dominant inheritance. Affected: yes.

PreventionGenetics, part of Exact Sciences
Classification: Benign for HMCN1-related condition. Last evaluated: 2019-06-05. Review status: no assertion criteria provided. Collection method: clinical testing. Allele origin: germline. Not counted in ClinVar's aggregate classification.
Comment: This variant is classified as benign based on ACMG/AMP sequence variant interpretation guidelines (Richards et al. 2015 PMID: 25741868, with internal and published modifications).

NM_031935.3(HMCN1):c.13313-5C>T

Gene: HMCN1 (hemicentin 1; plus strand). Cytogenetic location: 1q31.1.
Variant type: single nucleotide variant.
Coding change: c.13313-5C>T on transcript NM_031935.3 (MANE Select); 5 bases into the intron before coding-DNA position 13313, C replaced by T.
Molecular consequence: intron variant.
Genome position (GRCh38, 1-based): chr1:186,136,663, C>T. VCF-style: chr1-186136663-C-T. GRCh37 (hg19) VCF-style: chr1-186105795-C-T.
Identifiers: ClinVar variation 294263 (VCV000294263.42), dbSNP rs184095385, ClinGen allele CA1294636.
Genomic context (GRCh38, chr1:186,136,663, plus strand): 5'-ATACATGATAAAAAAAAATGCTGTAACTCCACAAAAACTGAGACACTATGTGCTTTTTTC[C>T]GTAGGTCCTCCTATTATCACTCTTGAGCCAGTGGAAACTGTTATTAATGCTGGTGGCAAA-3'